The following is an entry in ClinVar:

NM_001101426.4(CRPPA):c.824C>T (p.Ser275Leu)

Gene: CRPPA (CDP-L-ribitol pyrophosphorylase A; minus strand). Cytogenetic location: 7p21.2.
Variant type: single nucleotide variant.
Coding change: c.824C>T on transcript NM_001101426.4 (MANE Select); coding-DNA position 824, C replaced by T.
Protein change: p.Ser275Leu; replaces serine 275 with leucine.
Molecular consequence: missense variant.
Genome position (GRCh38, 1-based): chr7:16,301,432, G>A on the plus strand (C>T on the coding strand, the complement: CRPPA is on the minus strand). VCF-style: chr7-16301432-G-A. GRCh37 (hg19) VCF-style: chr7-16341057-G-A.
Other names: c.674C>T, p.Ser225Leu (NM_001101417.4); c.719C>T, p.Ser240Leu (NM_001368197.1); short protein forms S225L, S240L, S275L.
Identifiers: ClinVar variation 1047064 (VCV001047064.9), dbSNP rs1784787407, ClinGen allele CA367001464.

ClinVar aggregate classification (germline): Uncertain significance (1 of 4 stars; one submission).

Conditions:
Muscular dystrophy-dystroglycanopathy (congenital with brain and eye anomalies), type A, 7. Also called: WALKER-WARBURG SYNDROME OR MUSCLE-EYE-BRAIN DISEASE, ISPD-RELATED; Congenital muscular dystrophy-dystroglycanopathy with brain and eye anomalies, type A7. Identifiers: Orphanet 899, MedGen C3553330, MONDO:0013835, OMIM 614643.
Autosomal recessive limb-girdle muscular dystrophy type 2U. Also called: MUSCULAR DYSTROPHY, LIMB-GIRDLE, TYPE 2U; Muscular dystrophy-dystroglycanopathy (limb-girdle), type c, 7. Identifiers: Orphanet 352479, MedGen C5190987, MONDO:0014474, OMIM 616052.

Allele frequency attached by ClinVar (database versions not stated): gnomAD exomes 0.00001.
gnomAD v4.1: 9 of 1,612,406 alleles (0.00056%); highest among the groups gnomAD compares: South Asian, 0.0022%; no homozygotes.

Submission:

Labcorp Genetics (formerly Invitae), Labcorp
Classification: Uncertain significance for Muscular dystrophy-dystroglycanopathy (congenital with brain and eye anomalies), type A, 7; Autosomal recessive limb-girdle muscular dystrophy type 2U. Last evaluated: 2022-08-09. Review status: criteria provided, single submitter. Criteria: Invitae Variant Classification Sherloc (09022015). Collection method: clinical testing. Allele origin: germline.
Comment: This variant is not present in population databases (gnomAD no frequency). In summary, the available evidence is currently insufficient to determine the role of this variant in disease. Therefore, it has been classified as a Variant of Uncertain Significance. Algorithms developed to predict the effect of sequence changes on RNA splicing suggest that this variant may disrupt the consensus splice site. Algorithms developed to predict the effect of missense changes on protein structure and function are either unavailable or do not agree on the potential impact of this missense change (SIFT: "Deleterious"; PolyPhen-2: "Possibly Damaging"; Align-GVGD: "Class C0"). ClinVar contains an entry for this variant (Variation ID: 1047064). This variant has not been reported in the literature in individuals affected with ISPD-related conditions. This sequence change replaces serine, which is neutral and polar, with leucine, which is neutral and non-polar, at codon 275 of the ISPD protein (p.Ser275Leu).